The following is an entry in ClinVar:

NM_001070.5(TUBG1):c.509C>T (p.Ser170Leu)

Gene: TUBG1 (tubulin gamma 1; plus strand). Cytogenetic location: 17q21.2.
Variant type: single nucleotide variant.
Coding change: c.509C>T on transcript NM_001070.5 (MANE Select); coding-DNA position 509, C replaced by T.
Protein change: p.Ser170Leu; replaces serine 170 with leucine.
Molecular consequence: missense variant.
Genome position (GRCh38, 1-based): chr17:42,612,976, C>T. VCF-style: chr17-42612976-C-T. GRCh37 (hg19) VCF-style: chr17-40764994-C-T.
Other names: short protein forms S170L.
Identifiers: ClinVar variation 4995694 (VCV004995694.1).

ClinVar aggregate classification (germline): Uncertain significance (1 of 4 stars; one submission).

Conditions:
TUBG1-related disorder. Also called: TUBG1-related condition.

Submission:

PreventionGenetics, part of Exact Sciences
Classification: Uncertain significance for TUBG1-related condition. Last evaluated: 2026-09-16. Review status: criteria provided, single submitter. Criteria: ACMG Guidelines, 2015. Collection method: clinical testing. Allele origin: germline.
Comment: The TUBG1 c.509C>T variant is predicted to result in the amino acid substitution p.Ser170Leu. To our knowledge, this variant has not been reported in the literature or in a large population database (gnomAD), indicating this variant is rare. At this time, the clinical significance of this variant is uncertain due to the absence of conclusive functional and genetic evidence.